The following is an entry in ClinVar:

ClinVar aggregate classification (germline): Uncertain significance (1 of 4 stars; one submission).

gnomAD v4.1: 10 of 1,613,482 alleles (0.00062%); highest among the groups gnomAD compares: South Asian, 0.0022%; no homozygotes.

Submission:

Labcorp Genetics (formerly Invitae), Labcorp
Classification: Uncertain significance. Last evaluated: 2024-08-08. Review status: criteria provided, single submitter. Criteria: Invitae Variant Classification Sherloc (09022015). Collection method: clinical testing. Allele origin: germline.
Comment: This sequence change replaces alanine, which is neutral and non-polar, with threonine, which is neutral and polar, at codon 22 of the SIAE protein (p.Ala22Thr). This variant is present in population databases (rs747267753, gnomAD 0.003%). This variant has not been reported in the literature in individuals affected with SIAE-related conditions. An algorithm developed to predict the effect of missense changes on protein structure and function outputs the following: PolyPhen-2: "Benign". The threonine amino acid residue is found in multiple mammalian species, which suggests that this missense change does not adversely affect protein function. In summary, the available evidence is currently insufficient to determine the role of this variant in disease. Therefore, it has been classified as a Variant of Uncertain Significance.

NM_170601.5(SIAE):c.64G>A (p.Ala22Thr)

Gene: SIAE (sialic acid acetylesterase; minus strand). Cytogenetic location: 11q24.2.
Variant type: single nucleotide variant.
Coding change: c.64G>A on transcript NM_170601.5 (MANE Select); coding-DNA position 64, G replaced by A.
Protein change: p.Ala22Thr; replaces alanine 22 with threonine.
Molecular consequence: missense variant. On other transcripts: intron variant (1).
Genome position (GRCh38, 1-based): chr11:124,673,645, C>T on the plus strand (G>A on the coding strand, the complement: SIAE is on the minus strand). VCF-style: chr11-124673645-C-T. GRCh37 (hg19) VCF-style: chr11-124543541-C-T.
Other names: c.-39+1613G>A (NM_001199922.2); short protein forms A22T.
Identifiers: ClinVar variation 3715039 (VCV003715039.2).